The following is an entry in ClinVar:

ClinVar aggregate classification (germline): Uncertain significance (1 of 4 stars; one submission).

Conditions:
Familial thoracic aortic aneurysm and aortic dissection (TAAD). Also called: Thoracic aortic aneurysms and dissections. Identifiers: Orphanet 91387, MedGen C4707243, MONDO:0019625.

Submission:

Ambry Genetics
Classification: Uncertain significance for Familial thoracic aortic aneurysm and aortic dissection. Last evaluated: 2023-06-09. Review status: criteria provided, single submitter. Criteria: Ambry Variant Classification Scheme 2023. Collection method: clinical testing. Allele origin: germline.
Comment: The p.G343R variant (also known as c.1027G>C), located in coding exon 2 of the SLC2A10 gene, results from a G to C substitution at nucleotide position 1027. The glycine at codon 343 is replaced by arginine, an amino acid with dissimilar properties. This amino acid position is conserved. In addition, this alteration is predicted to be tolerated by in silico analysis. Since supporting evidence is limited at this time, the clinical significance of this alteration remains unclear.

NM_030777.4(SLC2A10):c.1027G>C (p.Gly343Arg)

Gene: SLC2A10 (solute carrier family 2 member 10; plus strand). Cytogenetic location: 20q13.12.
Variant type: single nucleotide variant.
Coding change: c.1027G>C on transcript NM_030777.4 (MANE Select); coding-DNA position 1027, G replaced by C.
Protein change: p.Gly343Arg; replaces glycine 343 with arginine.
Molecular consequence: missense variant.
Genome position (GRCh38, 1-based): chr20:46,726,063, G>C. VCF-style: chr20-46726063-G-C. GRCh37 (hg19) VCF-style: chr20-45354702-G-C.
Other names: short protein forms G343R.
Identifiers: ClinVar variation 2564034 (VCV002564034.2), dbSNP rs2515591724, ClinGen allele CA409268889.